The following is an entry in ClinVar:

ClinVar aggregate classification (germline): Uncertain significance. Review status: criteria provided, multiple submitters, no conflicts (2 of 4 stars). 2 submissions from 2 submitters: Uncertain significance (2). Last evaluated 2025-06-11.

Allele frequency attached by ClinVar (database versions not stated): gnomAD exomes 0.00001; ExAC 0.00002.

Submissions (2):

GeneDx
Classification: Uncertain significance. Last evaluated: 2025-06-11. Review status: criteria provided, single submitter. Criteria: GeneDx Variant Classification Process June 2021. Collection method: clinical testing. Allele origin: germline. Affected: yes.
Comment: Not observed at significant frequency in large population cohorts (gnomAD); In silico analysis suggests that this missense variant does not alter protein structure/function; Has not been previously published as pathogenic or benign to our knowledge

Labcorp Genetics (formerly Invitae), Labcorp
Classification: Uncertain significance. Last evaluated: 2023-08-10. Review status: criteria provided, single submitter. Criteria: Invitae Variant Classification Sherloc (09022015). Collection method: clinical testing. Allele origin: germline.
Comment: In summary, the available evidence is currently insufficient to determine the role of this variant in disease. Therefore, it has been classified as a Variant of Uncertain Significance. Advanced modeling of protein sequence and biophysical properties (such as structural, functional, and spatial information, amino acid conservation, physicochemical variation, residue mobility, and thermodynamic stability) performed at Invitae indicates that this missense variant is not expected to disrupt MMP13 protein function. This variant has not been reported in the literature in individuals affected with MMP13-related conditions. This variant is present in population databases (rs777940207, gnomAD 0.002%). This sequence change replaces histidine, which is basic and polar, with tyrosine, which is neutral and polar, at codon 157 of the MMP13 protein (p.His157Tyr).

NM_002427.4(MMP13):c.469C>T (p.His157Tyr)

Gene: MMP13 (matrix metallopeptidase 13; minus strand). Cytogenetic location: 11q22.2.
Variant type: single nucleotide variant.
Coding change: c.469C>T on transcript NM_002427.4 (MANE Select); coding-DNA position 469, C replaced by T.
Protein change: p.His157Tyr; replaces histidine 157 with tyrosine.
Molecular consequence: missense variant.
Genome position (GRCh38, 1-based): chr11:102,954,500, G>A on the plus strand (C>T on the coding strand, the complement: MMP13 is on the minus strand). VCF-style: chr11-102954500-G-A. GRCh37 (hg19) VCF-style: chr11-102825229-G-A.
Other names: c.469C>T (NM_002427.3); short protein forms H157Y.
Identifiers: ClinVar variation 2870751 (VCV002870751.4), dbSNP rs777940207, ClinGen allele CA6251981.